The following is an entry in ClinVar:

NM_138773.4(SLC25A46):c.1006del (p.Thr336fs)

Gene: SLC25A46 (solute carrier family 25 member 46; plus strand). Cytogenetic location: 5q22.1.
Variant type: Deletion.
Coding change: c.1006del on transcript NM_138773.4 (MANE Select); coding-DNA position 1006, one base deleted (A; older notation c.1006delA).
Protein change: p.Thr336fs; shifts the reading frame from threonine 336.
Molecular consequence: frameshift variant. On other transcripts: non-coding transcript variant (1).
Genome position (GRCh38, 1-based): chr5:110,761,531, A deleted; the last of 3 consecutive A bases (chr5:110,761,529-110,761,531); deleting any one gives the same sequence. VCF-style (leftmost placement, unchanged base first): chr5-110761528-GA-G. GRCh37 (hg19) VCF-style: chr5-110097228-GA-G.
Other names: c.763del, p.Thr255fs (NM_001303249.3); c.733del, p.Thr245fs (NM_001303250.3); short protein forms T255fs, T336fs, T245fs.
Identifiers: ClinVar variation 4704727 (VCV004704727.1).
Genomic context (GRCh38, chr5:110,761,528, plus strand): 5'-CCAGAACTTATTGCTAACTTTGCTGCCAGTCTTTGTTCTGACGTTATACTTTACCCATTG[GA>G]AACAGTTTTGCACCGCCTTCACATTCAAGGAACACGCACAATAATTGACAATACAGACCT-3'

ClinVar aggregate classification (germline): Pathogenic (1 of 4 stars; one submission).

Conditions:
Neuropathy, hereditary motor and sensory, type 6B (HMSN6B). Also called: HMSN VIB; CHARCOT-MARIE-TOOTH DISEASE, TYPE 6B; NEUROPATHY, HEREDITARY MOTOR AND SENSORY, TYPE VIB, WITH OPTIC ATROPHY; Neuropathy, hereditary motor and sensory, type VIB. Identifiers: MedGen C4225302, MONDO:0014671, OMIM 616505.

Submission:

Labcorp Genetics (formerly Invitae), Labcorp
Classification: Pathogenic for Neuropathy, hereditary motor and sensory, type 6B. Last evaluated: 2025-03-18. Review status: criteria provided, single submitter. Criteria: Invitae Variant Classification Sherloc (09022015). Collection method: clinical testing. Allele origin: germline.
Comment: This sequence change creates a premature translational stop signal (p.Thr336Glnfs*14) in the SLC25A46 gene. While this is not anticipated to result in nonsense mediated decay, it is expected to disrupt the last 83 amino acid(s) of the SLC25A46 protein. This variant is present in population databases (rs778934701, gnomAD 0.0009%). This variant has not been reported in the literature in individuals affected with SLC25A46-related conditions. This variant disrupts a region of the SLC25A46 protein in which other variant(s) (p.Arg340Cys) have been determined to be pathogenic (PMID: 26168012, 28369803, 28558379). This suggests that this is a clinically significant region of the protein, and that variants that disrupt it are likely to be disease-causing. For these reasons, this variant has been classified as Pathogenic.

Literature cited by the submitters: PubMed 26168012; PubMed 28369803; PubMed 28558379.